The following is an entry in ClinVar:

NM_152384.3(BBS5):c.522+4T>C

Gene: BBS5 (Bardet-Biedl syndrome 5; plus strand). Cytogenetic location: 2q31.1.
Variant type: single nucleotide variant.
Coding change: c.522+4T>C on transcript NM_152384.3 (MANE Select); 4 bases into the intron after coding-DNA position 522, T replaced by C.
Molecular consequence: intron variant.
Genome position (GRCh38, 1-based): chr2:169,493,013, T>C. VCF-style: chr2-169493013-T-C. GRCh37 (hg19) VCF-style: chr2-170349523-T-C.
Identifiers: ClinVar variation 1485127 (VCV001485127.6), dbSNP rs2105297829, ClinGen allele CA2573133676.
Genomic context (GRCh38, chr2:169,493,013, plus strand): 5'-CCACAAGAACATGTATATGATAAAATAAATGGAGTTTGGAATTTATCCAGTGATCAGGTA[T>C]TGTGCAAAGAGCTAGTGAACCTTTTGGGACAGTGTTTTGGTAATCATTTTTCCATTCATC-3'

ClinVar aggregate classification (germline): Uncertain significance (1 of 4 stars; one submission).

Conditions:
Bardet-Biedl syndrome (BBS). Identifiers: Orphanet 110, MedGen C0752166, MONDO:0015229.

Submission:

Labcorp Genetics (formerly Invitae), Labcorp
Classification: Uncertain significance for Bardet-Biedl syndrome. Last evaluated: 2021-04-20. Review status: criteria provided, single submitter. Criteria: Invitae Variant Classification Sherloc (09022015). Collection method: clinical testing. Allele origin: germline.
Comment: This variant is not present in population databases (ExAC no frequency). This sequence change falls in intron 6 of the BBS5 gene. It does not directly change the encoded amino acid sequence of the BBS5 protein. It affects a nucleotide within the consensus splice site of the intron. This variant has not been reported in the literature in individuals with BBS5-related conditions. In summary, the available evidence is currently insufficient to determine the role of this variant in disease. Therefore, it has been classified as a Variant of Uncertain Significance. Nucleotide substitutions within the consensus splice site are a relatively common cause of aberrant splicing (PMID: 17576681, 9536098). Algorithms developed to predict the effect of sequence changes on RNA splicing suggest that this variant is not likely to affect RNA splicing, but this prediction has not been confirmed by published transcriptional studies.

Literature cited by the submitters: PubMed 17576681; PubMed 9536098.